The following is an entry in ClinVar:

NM_020812.4(DOCK6):c.5581C>T (p.Arg1861Cys)

Gene: DOCK6 (dedicator of cytokinesis 6; minus strand). Cytogenetic location: 19p13.2.
Variant type: single nucleotide variant.
Coding change: c.5581C>T on transcript NM_020812.4 (MANE Select); coding-DNA position 5581, C replaced by T.
Protein change: p.Arg1861Cys; replaces arginine 1861 with cysteine.
Molecular consequence: missense variant.
Genome position (GRCh38, 1-based): chr19:11,201,996, G>A on the plus strand (C>T on the coding strand, the complement: DOCK6 is on the minus strand). VCF-style: chr19-11201996-G-A. GRCh37 (hg19) VCF-style: chr19-11312672-G-A.
Other names: c.5686C>T, p.Arg1896Cys (NM_001367830.1); c.5581C>T (NM_020812.2); short protein forms R1861C, R1896C.
Identifiers: ClinVar variation 1927857 (VCV001927857.4), dbSNP rs573654195, ClinGen allele CA9206417.

ClinVar aggregate classification (germline): Uncertain significance. Review status: criteria provided, multiple submitters, no conflicts (2 of 4 stars). 2 submissions from 2 submitters: Uncertain significance (2). Last evaluated 2026-01-12.

Conditions:
Inborn genetic diseases. Identifiers: MedGen C0950123, MeSH D030342.

Allele frequency attached by ClinVar (database versions not stated): ExAC 0.00001; TOPMed 0.00003; gnomAD exomes 0.00004; gnomAD 0.00007.
gnomAD v4.1: 60 of 1,613,880 alleles (0.0037%); highest among the groups gnomAD compares: Admixed American, 0.027%; no homozygotes.

Submissions (2):

Labcorp Genetics (formerly Invitae), Labcorp
Classification: Uncertain significance. Last evaluated: 2026-01-12. Review status: criteria provided, single submitter. Criteria: Invitae Variant Classification Sherloc (09022015). Collection method: clinical testing. Allele origin: germline.
Comment: This sequence change replaces arginine, which is basic and polar, with cysteine, which is neutral and slightly polar, at codon 1861 of the DOCK6 protein (p.Arg1861Cys). This variant is present in population databases (rs573654195, gnomAD 0.02%). This variant has not been reported in the literature in individuals affected with DOCK6-related conditions. ClinVar contains an entry for this variant (Variation ID: 1927857). Invitae Evidence Modeling of protein sequence and biophysical properties (such as structural, functional, and spatial information, amino acid conservation, physicochemical variation, residue mobility, and thermodynamic stability) indicates that this missense variant is expected to disrupt DOCK6 protein function with a positive predictive value of 80%. In summary, the available evidence is currently insufficient to determine the role of this variant in disease. Therefore, it has been classified as a Variant of Uncertain Significance.

Ambry Genetics
Classification: Uncertain significance for Inborn genetic diseases. Last evaluated: 2024-01-23. Review status: criteria provided, single submitter. Criteria: Ambry Variant Classification Scheme 2023. Collection method: clinical testing. Allele origin: germline.